The following is an entry in ClinVar:

NM_001184880.2(PCDH19):c.1804C>G (p.Arg602Gly)

Gene: PCDH19 (protocadherin 19; minus strand). Cytogenetic location: Xq22.1.
Variant type: single nucleotide variant.
Coding change: c.1804C>G on transcript NM_001184880.2 (MANE Select); coding-DNA position 1804, C replaced by G.
Protein change: p.Arg602Gly; replaces arginine 602 with glycine.
Molecular consequence: missense variant.
Genome position (GRCh38, 1-based): chrX:100,406,794, G>C on the plus strand (C>G on the coding strand, the complement: PCDH19 is on the minus strand). VCF-style: chrX-100406794-G-C. GRCh37 (hg19) VCF-style: chrX-99661792-G-C.
Other names: c.1804C>G, p.Arg602Gly (NM_001105243.2, NM_020766.3); short protein forms R602G.
Identifiers: ClinVar variation 3359645 (VCV003359645.1).

ClinVar aggregate classification (germline): Uncertain significance (1 of 4 stars; one submission).

Submission:

GeneDx
Classification: Uncertain significance. Last evaluated: 2023-06-09. Review status: criteria provided, single submitter. Criteria: GeneDx Variant Classification Process June 2021. Collection method: clinical testing. Allele origin: germline. Affected: yes.
Comment: Not observed at significant frequency in large population cohorts (gnomAD); In silico analysis supports that this missense variant has a deleterious effect on protein structure/function; Missense variants in this gene are often considered pathogenic (HGMD); Has not been previously published as pathogenic or benign to our knowledge